The following is an entry in ClinVar:

ClinVar aggregate classification (germline): Uncertain significance. Review status: criteria provided, multiple submitters, no conflicts (2 of 4 stars). 2 submissions from 2 submitters: Uncertain significance (2). Last evaluated 2025-06-01.

Conditions:
Adams-Oliver syndrome 5 (AOS5). Identifiers: Orphanet 974, MedGen C4014970, MONDO:0014459, OMIM 616028.
Familial thoracic aortic aneurysm and aortic dissection (TAAD). Also called: Thoracic aortic aneurysms and dissections. Identifiers: Orphanet 91387, MedGen C4707243, MONDO:0019625.

gnomAD v4.1: 5 of 1,612,728 alleles (0.00031%); highest among the groups gnomAD compares: Non-Finnish European, 0.00034%; no homozygotes.

Submissions (2):

Ambry Genetics
Classification: Uncertain significance for Familial thoracic aortic aneurysm and aortic dissection. Last evaluated: 2025-06-01. Review status: criteria provided, single submitter. Criteria: Ambry Variant Classification Scheme 2023. Collection method: clinical testing. Allele origin: germline.
Comment: The p.P837S variant (also known as c.2509C>T), located in coding exon 16 of the NOTCH1 gene, results from a C to T substitution at nucleotide position 2509. The proline at codon 837 is replaced by serine, an amino acid with similar properties. This amino acid position is conserved. In addition, the in silico prediction for this alteration is inconclusive. Based on the available evidence, the clinical significance of this variant remains unclear.

Labcorp Genetics (formerly Invitae), Labcorp
Classification: Uncertain significance for Adams-Oliver syndrome 5. Last evaluated: 2022-12-06. Review status: criteria provided, single submitter. Criteria: Invitae Variant Classification Sherloc (09022015). Collection method: clinical testing. Allele origin: germline.
Comment: In summary, the available evidence is currently insufficient to determine the role of this variant in disease. Therefore, it has been classified as a Variant of Uncertain Significance. Advanced modeling of protein sequence and biophysical properties (such as structural, functional, and spatial information, amino acid conservation, physicochemical variation, residue mobility, and thermodynamic stability) has been performed at Invitae for this missense variant, however the output from this modeling did not meet the statistical confidence thresholds required to predict the impact of this variant on NOTCH1 protein function. ClinVar contains an entry for this variant (Variation ID: 1509059). This variant has not been reported in the literature in individuals affected with NOTCH1-related conditions. This variant is not present in population databases (gnomAD no frequency). This sequence change replaces proline, which is neutral and non-polar, with serine, which is neutral and polar, at codon 837 of the NOTCH1 protein (p.Pro837Ser).

NM_017617.5(NOTCH1):c.2509C>T (p.Pro837Ser)

Gene: NOTCH1 (notch receptor 1; minus strand). Cytogenetic location: 9q34.3.
Variant type: single nucleotide variant.
Coding change: c.2509C>T on transcript NM_017617.5 (MANE Select); coding-DNA position 2509, C replaced by T.
Protein change: p.Pro837Ser; replaces proline 837 with serine.
Molecular consequence: missense variant.
Genome position (GRCh38, 1-based): chr9:136,511,230, G>A on the plus strand (C>T on the coding strand, the complement: NOTCH1 is on the minus strand). VCF-style: chr9-136511230-G-A. GRCh37 (hg19) VCF-style: chr9-139405682-G-A.
Other names: c.2509C>T (NM_017617.3); short protein forms P837S.
Identifiers: ClinVar variation 1509059 (VCV001509059.9), dbSNP rs1843176956, ClinGen allele CA375555471.
Genomic context (GRCh38, chr9:136,511,230, plus strand): 5'-AGACACAGGAGAAGCTCTCATAGTCCTCGGATTGCCTGCACTCCCCGCCGTTTCTGCAGG[G>A]GCTGGGGGCACACGGGGCCAGCACCACCTCACACGTGGCACCTGCGGGAAGGAGACACAC-3'
Protein context (NP_060087.3, residues 827-847): EVVLAPCAPS[Pro837Ser]CRNGGECRQS